The following is an entry in ClinVar:

ClinVar aggregate classification (germline): Conflicting classifications of pathogenicity. Review status: criteria provided, conflicting classifications (1 of 4 stars). 2 submissions from 2 submitters: Likely pathogenic (1); Uncertain significance (1). Last evaluated 2023-10-23.

Conditions:
Houge-Janssens syndrome 2. Also called: PPP2R1A-Related Neurodevelopmental Disorder; INTELLECTUAL DEVELOPMENTAL DISORDER, AUTOSOMAL DOMINANT 36; Microcephaly-corpus callosum hypoplasia-intellectual disability-facial dysmorphism syndrome. Identifiers: Orphanet 457284, MedGen C4225352, MONDO:0014605, OMIM 616362.

gnomAD v4.1: 7 of 1,614,048 alleles (0.00043%); highest among the groups gnomAD compares: African/African-American, 0.0013%; no homozygotes.

Submissions (2):

Labcorp Genetics (formerly Invitae), Labcorp
Classification: Uncertain significance. Last evaluated: 2023-10-23. Review status: criteria provided, single submitter. Criteria: Invitae Variant Classification Sherloc (09022015). Collection method: clinical testing. Allele origin: germline.
Comment: This sequence change replaces glutamic acid, which is acidic and polar, with lysine, which is basic and polar, at codon 118 of the PPP2R1A protein (p.Glu118Lys). This variant is not present in population databases (gnomAD no frequency). This variant has not been reported in the literature in individuals affected with PPP2R1A-related conditions. ClinVar contains an entry for this variant (Variation ID: 957599). Advanced modeling of protein sequence and biophysical properties (such as structural, functional, and spatial information, amino acid conservation, physicochemical variation, residue mobility, and thermodynamic stability) performed at Invitae indicates that this missense variant is not expected to disrupt PPP2R1A protein function with a negative predictive value of 80%. In summary, the available evidence is currently insufficient to determine the role of this variant in disease. Therefore, it has been classified as a Variant of Uncertain Significance.

Genome-Nilou Lab
Classification: Likely pathogenic for Houge-Janssens syndrome 2. Last evaluated: 2021-07-22. Review status: criteria provided, single submitter. Criteria: ACMG Guidelines, 2015. Collection method: clinical testing. Allele origin: germline. Affected: yes.

NM_014225.6(PPP2R1A):c.352G>A (p.Glu118Lys)

Gene: PPP2R1A (protein phosphatase 2 scaffold subunit Aalpha; plus strand). Cytogenetic location: 19q13.41.
Variant type: single nucleotide variant.
Coding change: c.352G>A on transcript NM_014225.6 (MANE Select); coding-DNA position 352, G replaced by A.
Protein change: p.Glu118Lys; replaces glutamic acid 118 with lysine.
Molecular consequence: missense variant. On other transcripts: 5 prime UTR variant (1), non-coding transcript variant (1).
Genome position (GRCh38, 1-based): chr19:52,211,341, G>A. VCF-style: chr19-52211341-G-A. GRCh37 (hg19) VCF-style: chr19-52714594-G-A.
Other names: c.-186G>A (NM_001363656.2); short protein forms E118K.
Identifiers: ClinVar variation 957599 (VCV000957599.12), dbSNP rs2089667956, ClinGen allele CA407182327.